The following is an entry in ClinVar:

NM_000094.4(COL7A1):c.2214T>G (p.Ala738=)

Gene: COL7A1 (collagen type VII alpha 1 chain; minus strand). Cytogenetic location: 3p21.31.
Variant type: single nucleotide variant.
Coding change: c.2214T>G on transcript NM_000094.4 (MANE Select); coding-DNA position 2214, T replaced by G.
Protein change: p.Ala738=; no amino-acid change (alanine 738 retained).
Molecular consequence: synonymous variant.
Genome position (GRCh38, 1-based): chr3:48,589,427, A>C on the plus strand (T>G on the coding strand, the complement: COL7A1 is on the minus strand). VCF-style: chr3-48589427-A-C. GRCh37 (hg19) VCF-style: chr3-48626860-A-C.
Identifiers: ClinVar variation 3388573 (VCV003388573.14).

ClinVar aggregate classification (germline): Likely benign (1 of 4 stars; one submission).

Submission:

CeGaT Center for Human Genetics Tuebingen
Classification: Likely benign. Last evaluated: 2024-09-01. Review status: criteria provided, single submitter. Criteria: CeGaT Center For Human Genetics Tuebingen Variant Classification Criteria Version 2. Collection method: clinical testing. Allele origin: germline. Affected: yes. Observed: 1 variant allele.
Comment: COL7A1: BP4, BP7